The following is an entry in ClinVar:

ClinVar aggregate classification (germline): Likely pathogenic (1 of 4 stars; one submission).

Conditions:
Periventricular nodular heterotopia (PVNH). Identifiers: Orphanet 98892, MedGen C1868720, MeSH D054091, MONDO:0020341, HP:0032388.
Hypocalcemia. Identifiers: MedGen C0020598, HP:0002901.
Isolated Pierre-Robin syndrome. Also called: Pierre-Robin sequence; GLOSSOPTOSIS, MICROGNATHIA, AND CLEFT PALATE; pierre robin association; Pierre Robin Syndrome; Robin sequence. Identifiers: Orphanet 718, MedGen C0031900, MONDO:0009869, OMIM 261800, HP:0000201.
Clubfoot. Also called: Clubfeet; congenital talipes equinovarus; Talipes equinovarus; Club foot; CLUBFOOT, CONGENITAL, WITH OR WITHOUT DEFICIENCY OF LONG BONES AND/OR MIRROR-IMAGE POLYDACTYLY. Identifiers: Orphanet 199315, MedGen C0009081, MONDO:0007342, OMIM 119800, HP:0001762.
Neurodevelopmental delay. Identifiers: MedGen C4022738, HP:0012758.

Submission:

Kids Research, The Children's Hospital at Westmead
Classification: Likely pathogenic for Neurodevelopmental delay; Periventricular nodular heterotopia; Isolated Pierre-Robin syndrome; Clubfoot; Hypocalcemia. Last evaluated: 2022-01-12. Review status: criteria provided, single submitter. Criteria: ACMG Guidelines, 2015. Collection method: research. Allele origin: inherited. Inheritance: Autosomal recessive inheritance. Affected: yes. Observed: 1 compound heterozygote.
Comment: ATP2B1 is currently a GUS with limited evidence of a disease-gene association. ACMG criteria have been applied to the variants assuming a definitive disease-gene association will be established in the future.

NM_001366521.1(ATP2B1):c.3060+2T>G

Gene: ATP2B1 (ATPase plasma membrane Ca2+ transporting 1; minus strand). Cytogenetic location: 12q21.33.
Variant type: single nucleotide variant.
Coding change: c.3060+2T>G on transcript NM_001366521.1 (MANE Select); the canonical splice donor site of the intron after coding-DNA position 3060, T replaced by G.
Molecular consequence: splice donor variant.
Genome position (GRCh38, 1-based): chr12:89,603,041, A>C on the plus strand (T>G on the coding strand, the complement: ATP2B1 is on the minus strand). VCF-style: chr12-89603041-A-C. GRCh37 (hg19) VCF-style: chr12-89996818-A-C.
Other names: c.2862+2T>G (NM_001413053.1, NM_001366530.1); c.2499+2T>G (NM_001413060.1, NM_001366531.1, NM_001413058.1 and 2 more transcripts); c.2805+2T>G (NM_001413056.1); c.2919+2T>G (NM_001413051.1, NM_001413055.1, NM_001413052.1); c.3021+2T>G (NM_001413048.1); c.2817+2T>G (NM_001413054.1); c.3060+2T>G (NM_001413050.1, NM_001366529.1, NM_001366528.1 and 12 more transcripts); c.2607+2T>G (NM_001413057.1).
Identifiers: ClinVar variation 1334402 (VCV001334402.2), dbSNP rs2135942244, ClinGen allele CA386001562.
Genomic context (GRCh38, chr12:89,603,041, plus strand): 5'-CTGTTTACCTAATGTCTCCCATTTAACAGGCAAATTTGAAACTATCTTTTCCAATTACCC[A>C]CCTGTACCACAAAAGTGCCTAAAACAATTGTGCAGAAGATGGCATTGTTAAAGATTCCTT-3'